The following is an entry in ClinVar:

NM_000051.4(ATM):c.6007_6029dup

Genes: ATM (ATM serine/threonine kinase; plus strand), C11orf65 (chromosome 11 open reading frame 65; minus strand). Cytogenetic location: 11q22.3.
Variant type: Duplication.
Coding change: c.6007_6029dup on transcript NM_000051.4 (MANE Select); coding-DNA positions 6007 to 6029, 23 bases duplicated (GATCTTCTCTTAGAAATCTACAG).
Molecular consequence: splice acceptor variant. On other transcripts: intron variant (2).
Genome position (GRCh38, 1-based): chr11:108,315,823-108,315,845, GATCTTCTCTTAGAAATCTACAG duplicated; duplicating any 23 consecutive bases within chr11:108,315,820-108,315,845 gives the same sequence; the c. name uses the placement nearest the transcript's 3' end. VCF-style (leftmost placement, unchanged base first): chr11-108315819-T-TCAGGATCTTCTCTTAGAAATCTA. GRCh37 (hg19) VCF-style: chr11-108186546-T-TCAGGATCTTCTCTTAGAAATCTA.
Other names: c.641-6771_641-6749dup (NM_001330368.2); c.*39-6771_*39-6749dup (NM_001351110.2).
Identifiers: ClinVar variation 628597 (VCV000628597.5), ClinGen allele CA913188505.

ClinVar aggregate classification (germline): Pathogenic (1 of 4 stars; one submission).

Conditions:
Hereditary cancer-predisposing syndrome. Also called: Tumor predisposition; Hereditary neoplastic syndrome; Neoplastic Syndromes, Hereditary; Hereditary Cancer Syndrome. Identifiers: Orphanet 140162, MedGen C0027672, MeSH D009386, MONDO:0015356.

Submission:

Color Diagnostics, LLC DBA Color Health
Classification: Pathogenic for Hereditary cancer-predisposing syndrome. Last evaluated: 2022-03-09. Review status: criteria provided, single submitter. Criteria: ACMG Guidelines, 2015. Collection method: clinical testing. Allele origin: germline.
Comment: This variant duplicates 23 nucleotides in exon 41 of the ATM gene, creating a frameshift and premature translation stop signal. This variant is expected to result in an absent or non-functional protein product. To our knowledge, this variant has not been reported in individuals affected with hereditary cancer in the literature. This variant has not been identified in the general population by the Genome Aggregation Database (gnomAD). Loss of ATM function is a known mechanism of disease. Based on the available evidence, this variant is classified as Pathogenic.